The following is an entry in ClinVar:

NM_000540.3(RYR1):c.12613G>T (p.Glu4205Ter)

Gene: RYR1 (ryanodine receptor 1; plus strand). Cytogenetic location: 19q13.2.
Variant type: single nucleotide variant.
Coding change: c.12613G>T on transcript NM_000540.3 (MANE Select); coding-DNA position 12613, G replaced by T.
Protein change: p.Glu4205Ter; replaces glutamic acid 4205 with a stop codon.
Molecular consequence: nonsense.
Genome position (GRCh38, 1-based): chr19:38,561,443, G>T. VCF-style: chr19-38561443-G-T. GRCh37 (hg19) VCF-style: chr19-39052083-G-T.
Other names: c.12598G>T, p.Glu4200Ter (NM_001042723.2); short protein forms E4205*, E4200*.
Identifiers: ClinVar variation 523895 (VCV000523895.3), dbSNP rs1361451153, ClinGen allele CA405669925.

ClinVar aggregate classification (germline): Pathogenic (1 of 4 stars; one submission).

Submission:

GeneDx
Classification: Pathogenic. Last evaluated: 2020-11-10. Review status: criteria provided, single submitter. Criteria: GeneDx Variant Classification Process June 2021. Collection method: clinical testing. Allele origin: germline. Affected: yes.
Comment: Nonsense variant predicted to result in protein truncation or nonsense mediated decay in a gene for which loss-of-function is a known mechanism of disease; Not observed in large population cohorts (Lek et al., 2016); Has not been previously published as pathogenic or benign to our knowledge